The following is an entry in ClinVar:

ClinVar aggregate classification (germline): Pathogenic (1 of 4 stars; one submission).

Conditions:
Primary hyperoxaluria, type I (HP1). Also called: OXALOSIS I; Primary hyperoxaluria type 1; GLYCOLIC ACIDURIA; HEPATIC AGT DEFICIENCY. Identifiers: Orphanet 416, Orphanet 93598, MedGen C0268164, MONDO:0009823, OMIM 259900. Disease mechanism: loss of function.

Submission:

Clinical Biochemistry Laboratory, Health Services Laboratory
Classification: Pathogenic for Primary hyperoxaluria, type I. Last evaluated: 2023-10-27. Review status: criteria provided, single submitter. Criteria: ACMG Guidelines, 2015. Collection method: clinical testing. Allele origin: germline. Affected: yes.
Comment: ACMG:PS3 PM2 PM3 PP3 PP4 BP6. Pathogenicity is biochemically confirmed in this variant when in cis with the AGXT minor allele (c.32C>T). However, when c.836T>C occurs in cis with the major AGXT allele (c.32C=) it has been reported as benign (PMID:15963748). The identification of the major/minor allele haplotype is therefore critical for the interpretation of this variant.

Literature cited by the submitters: PubMed 19479957.

NM_000030.3(AGXT):c.[32C>T;836T>C]

Variant type: Haplotype.
Identifiers: ClinVar variation 2681193 (VCV002681193.1).